The following is an entry in ClinVar:

NM_130466.4(UBE3B):c.2881G>A (p.Ala961Thr)

Gene: UBE3B (ubiquitin protein ligase E3B; plus strand). Cytogenetic location: 12q24.11.
Variant type: single nucleotide variant.
Coding change: c.2881G>A on transcript NM_130466.4 (MANE Select); coding-DNA position 2881, G replaced by A.
Protein change: p.Ala961Thr; replaces alanine 961 with threonine.
Molecular consequence: missense variant.
Genome position (GRCh38, 1-based): chr12:109,530,617, G>A. VCF-style: chr12-109530617-G-A. GRCh37 (hg19) VCF-style: chr12-109968422-G-A.
Other names: c.2881G>A, p.Ala961Thr (NM_183415.3); short protein forms A961T.
Identifiers: ClinVar variation 2820002 (VCV002820002.3), dbSNP rs2548577610, ClinGen allele CA386647778.

ClinVar aggregate classification (germline): Uncertain significance (1 of 4 stars; one submission).

Allele frequency attached by ClinVar (database versions not stated): gnomAD exomes below 0.00001.
gnomAD v4.1: 2 of 1,614,192 alleles (0.00012%); highest among the groups gnomAD compares: South Asian, 0.0011%; no homozygotes.

Submission:

Labcorp Genetics (formerly Invitae), Labcorp
Classification: Uncertain significance. Last evaluated: 2023-02-22. Review status: criteria provided, single submitter. Criteria: Invitae Variant Classification Sherloc (09022015). Collection method: clinical testing. Allele origin: germline.
Comment: This sequence change replaces alanine, which is neutral and non-polar, with threonine, which is neutral and polar, at codon 961 of the UBE3B protein (p.Ala961Thr). This variant is not present in population databases (gnomAD no frequency). This variant has not been reported in the literature in individuals affected with UBE3B-related conditions. Advanced modeling of protein sequence and biophysical properties (such as structural, functional, and spatial information, amino acid conservation, physicochemical variation, residue mobility, and thermodynamic stability) performed at Invitae indicates that this missense variant is not expected to disrupt UBE3B protein function. In summary, the available evidence is currently insufficient to determine the role of this variant in disease. Therefore, it has been classified as a Variant of Uncertain Significance.